The following is an entry in ClinVar:

NM_002755.4(MAP2K1):c.961-254_961-251del

Gene: MAP2K1 (mitogen-activated protein kinase kinase 1; plus strand). Cytogenetic location: 15q22.31.
Variant type: Deletion.
Coding change: c.961-254_961-251del on transcript NM_002755.4 (MANE Select); 254 bases into the intron before coding-DNA position 961 through 251 bases into the intron before coding-DNA position 961, 4 bases deleted (AAGT; older notation c.961-254_961-251delAAGT).
Molecular consequence: intron variant.
Genome position (GRCh38, 1-based): chr15:66,488,961-66,488,964, AAGT deleted. VCF-style (leftmost placement, unchanged base first): chr15-66488960-CAAGT-C. GRCh37 (hg19) VCF-style: chr15-66781298-CAAGT-C.
Other names: c.961-254_961-251delAAGT (NM_002755.3).
Identifiers: ClinVar variation 561877 (VCV000561877.1), dbSNP rs34067330, ClinGen allele CA271677305.

ClinVar aggregate classification (germline): Benign (1 of 4 stars; one submission).

Allele frequency attached by ClinVar (database versions not stated): 1000 Genomes Project 30x 0.03545; 1000 Genomes Project 0.03594; TOPMed 0.05204; gnomAD 0.05565 and 0.05667; gnomAD exomes 0.06575.

Submission:

GeneDx
Classification: Benign. Last evaluated: 2018-06-14. Review status: criteria provided, single submitter. Criteria: GeneDx Variant Classification (06012015). Collection method: clinical testing. Allele origin: germline. Affected: yes.
Comment: This variant is considered likely benign or benign based on one or more of the following criteria: it is a conservative change, it occurs at a poorly conserved position in the protein, it is predicted to be benign by multiple in silico algorithms, and/or has population frequency not consistent with disease.